The following is an entry in ClinVar:

ClinVar aggregate classification (germline): Uncertain significance (1 of 4 stars; one submission).

Submission:

CeGaT Center for Human Genetics Tuebingen
Classification: Uncertain significance. Last evaluated: 2026-07-01. Review status: criteria provided, single submitter. Criteria: CeGaT Center For Human Genetics Tuebingen Variant Classification Criteria Version 2. Collection method: clinical testing. Allele origin: germline. Affected: yes. Observed: 1 variant allele.
Comment: CDC42BPB: PM2, PM4, BS2

NM_006035.4(CDC42BPB):c.5064_5066del (p.Pro1689del)

Gene: CDC42BPB (CDC42 binding protein kinase beta; minus strand). Cytogenetic location: 14q32.32.
Variant type: Deletion.
Coding change: c.5064_5066del on transcript NM_006035.4 (MANE Select); coding-DNA positions 5064 to 5066, 3 bases deleted (ACC; older notation c.5064_5066delACC).
Protein change: p.Pro1689del; deletes proline 1689.
Genome position (GRCh38, 1-based): chr14:102,933,782-102,933,784, GGT deleted on the plus strand (ACC on the coding strand, the reverse complement: CDC42BPB is on the minus strand); deleting any 3 consecutive bases within chr14:102,933,782-102,933,786 gives the same sequence; the c. name uses the placement nearest the transcript's 3' end. VCF-style (leftmost placement, unchanged base first): chr14-102933781-CGGT-C. GRCh37 (hg19) VCF-style: chr14-103400118-CGGT-C.
Other names: c.4986_4988del, p.Pro1663del (NM_001411054.1); short protein forms P1663del, P1689del.
Identifiers: ClinVar variation 5040059 (VCV005040059.1).